The following is an entry in ClinVar:

NM_003502.4(AXIN1):c.1602C>T (p.His534=)

Gene: AXIN1 (axin 1; minus strand). Cytogenetic location: 16p13.3.
Variant type: single nucleotide variant.
Coding change: c.1602C>T on transcript NM_003502.4 (MANE Select); coding-DNA position 1602, C replaced by T.
Protein change: p.His534=; no amino-acid change (histidine 534 retained).
Molecular consequence: synonymous variant. On other transcripts: non-coding transcript variant (1).
Genome position (GRCh38, 1-based): chr16:297,904, G>A on the plus strand (C>T on the coding strand, the complement: AXIN1 is on the minus strand). VCF-style: chr16-297904-G-A. GRCh37 (hg19) VCF-style: chr16-347904-G-A.
Other names: c.1602C>T, p.His534= (NM_181050.3).
Identifiers: ClinVar variation 3044771 (VCV003044771.2), dbSNP rs141481399, ClinGen allele CA7774143.

ClinVar aggregate classification (germline): Likely benign (0 of 4 stars; one submission).

Conditions:
AXIN1-related disorder. Also called: AXIN1-related condition.

Allele frequency attached by ClinVar (database versions not stated): ExAC 0.00017; ESP Exome Variant Server 0.00038; gnomAD 0.00059; TOPMed 0.00059; 1000 Genomes Project 0.00140; 1000 Genomes Project 30x 0.00172.
gnomAD v4.1: 175 of 1,594,700 alleles (0.011%); highest among the groups gnomAD compares: African/African-American, 0.19%; no homozygotes.

Submission:

PreventionGenetics, part of Exact Sciences
Classification: Likely benign for AXIN1-related condition. Last evaluated: 2019-06-05. Review status: no assertion criteria provided. Collection method: clinical testing. Allele origin: germline.
Comment: This variant is classified as likely benign based on ACMG/AMP sequence variant interpretation guidelines (Richards et al. 2015 PMID: 25741868, with internal and published modifications).